The following is an entry in ClinVar:

NM_001365276.2(TNXB):c.2357C>T (p.Thr786Met)

Gene: TNXB (tenascin XB; minus strand). Cytogenetic location: 6p21.33.
Variant type: single nucleotide variant.
Coding change: c.2357C>T on transcript NM_001365276.2 (MANE Select); coding-DNA position 2357, C replaced by T.
Protein change: p.Thr786Met; replaces threonine 786 with methionine.
Molecular consequence: missense variant.
Genome position (GRCh38, 1-based): chr6:32,095,077, G>A on the plus strand (C>T on the coding strand, the complement: TNXB is on the minus strand). VCF-style: chr6-32095077-G-A. GRCh37 (hg19) VCF-style: chr6-32062854-G-A.
Other names: c.2357C>T, p.Thr786Met (NM_019105.8); short protein forms T786M.
Identifiers: ClinVar variation 2464447 (VCV002464447.3), dbSNP rs759186959, ClinGen allele CA3735525.

ClinVar aggregate classification (germline): Uncertain significance. Review status: criteria provided, multiple submitters, no conflicts (2 of 4 stars). 2 submissions from 2 submitters: Uncertain significance (2). Last evaluated 2026-05-12.

Conditions:
Cardiovascular phenotype. Identifiers: MedGen CN230736.

Allele frequency attached by ClinVar (database versions not stated): TOPMed 0.00004; ExAC 0.00005; gnomAD exomes 0.00004.
gnomAD v4.1: 70 of 1,547,798 alleles (0.0045%); highest among the groups gnomAD compares: East Asian, 0.0049%; no homozygotes.

Submissions (2):

Women's Health and Genetics/Laboratory Corporation of America, LabCorp
Classification: Uncertain significance. Last evaluated: 2026-05-12. Review status: criteria provided, single submitter. Criteria: LabCorp Variant Classification Summary - May 2015. Collection method: clinical testing. Allele origin: germline.
Comment: Variant summary: TNXB c.2357C>T (p.Thr786Met) results in a non-conservative amino acid change in the encoded protein sequence. Algorithms developed to predict the effect of missense changes on protein structure and function are either unavailable or do not agree on the potential impact of this missense change. Consensus agreement among computation tools predict no significant impact on normal splicing. However, these predictions have yet to be confirmed by functional studies. The variant allele was found at a frequency of 1.9e-05 in 156956 control chromosomes. The available data on variant occurrences in the general population are insufficient to allow any conclusion about variant significance. To our knowledge, no occurrence of c.2357C>T in individuals affected with TNXB-related conditions and no experimental evidence demonstrating its impact on protein function have been reported. ClinVar contains an entry for this variant (Variation ID: 2464447). Based on the evidence outlined above, the variant was classified as uncertain significance.

Ambry Genetics
Classification: Uncertain significance for Cardiovascular phenotype. Last evaluated: 2022-12-26. Review status: criteria provided, single submitter. Criteria: Ambry Variant Classification Scheme 2023. Collection method: clinical testing. Allele origin: germline.
Comment: The p.T786M variant (also known as c.2357C>T), located in coding exon 3 of the TNXB gene, results from a C to T substitution at nucleotide position 2357. The threonine at codon 786 is replaced by methionine, an amino acid with similar properties. This amino acid position is conserved. In addition, this alteration is predicted to be tolerated by in silico analysis. Since supporting evidence is limited at this time, the clinical significance of this alteration remains unclear.